The following is an entry in ClinVar:

NM_000135.4(FANCA):c.1826+15T>C

Gene: FANCA (FA complementation group A; minus strand). Cytogenetic location: 16q24.3.
Variant type: single nucleotide variant.
Coding change: c.1826+15T>C on transcript NM_000135.4 (MANE Select); 15 bases into the intron after coding-DNA position 1826, T replaced by C.
Molecular consequence: intron variant.
Genome position (GRCh38, 1-based): chr16:89,778,786, A>G on the plus strand (T>C on the coding strand, the complement: FANCA is on the minus strand). VCF-style: chr16-89778786-A-G. GRCh37 (hg19) VCF-style: chr16-89845194-A-G.
Other names: c.1826+15T>C (NM_001286167.3, NM_000135.3, LRG_495t1).
Identifiers: ClinVar variation 255241 (VCV000255241.25), dbSNP rs1800337, ClinGen allele CA8252051.
Genomic context (GRCh38, chr16:89,778,786, plus strand): 5'-CAGAAGATCCACAATTCTTCGCATTGTCAGAAGAAACCTGGAAGTAGTCATCCCCTTCTA[A>G]CCGTTGCTGCATACCTCTTCAGAGACTCTATAAACGCCACACGGGAGTCAGGGACTTTGG-3'

ClinVar aggregate classification (germline): Benign. Review status: criteria provided, multiple submitters, no conflicts (2 of 4 stars). 11 submissions from 11 submitters: Benign (11). Last evaluated 2026-05-30.

Conditions:
Fanconi anemia (FA). Also called: Fanconi's anemia. Identifiers: Orphanet 84, MedGen C0015625, MeSH D005199, MONDO:0019391.
Fanconi anemia complementation group A (FANCA). Also called: Fanconi anemia, group A; FANCA-Related Fanconi Anemia. Identifiers: Orphanet 84, MedGen C3469521, MONDO:0009215, OMIM 227650.

Allele frequency attached by ClinVar (database versions not stated): gnomAD exomes 0.44804; ESP Exome Variant Server 0.48815; gnomAD 0.51138 and 0.52002; ExAC 0.51148; TOPMed 0.53236; 1000 Genomes Project 30x 0.68004; 1000 Genomes Project 0.68251.
gnomAD v4.1: 732,239 of 1,608,578 alleles (46%); highest among the groups gnomAD compares: East Asian, 98%; 180,179 homozygotes.

Submissions (11):

Women's Health and Genetics/Laboratory Corporation of America, LabCorp
Classification: Benign. Last evaluated: 2026-05-30. Review status: criteria provided, single submitter. Criteria: LabCorp Variant Classification Summary - May 2015. Collection method: clinical testing. Allele origin: germline.

Labcorp Genetics (formerly Invitae), Labcorp
Classification: Benign for Fanconi anemia. Last evaluated: 2026-02-04. Review status: criteria provided, single submitter. Criteria: Invitae Variant Classification Sherloc (09022015). Collection method: clinical testing. Allele origin: germline.

ARUP Laboratories, Molecular Genetics and Genomics, ARUP Laboratories
Classification: Benign for Fanconi anemia complementation group A. Last evaluated: 2025-07-28. Review status: criteria provided, single submitter. Criteria: ARUP Molecular Germline Variant Investigation Process 2024. Collection method: clinical testing. Allele origin: germline.

GeneKor MSA
Classification: Benign for Fanconi anemia complementation group A. Last evaluated: 2025-07-10. Review status: criteria provided, single submitter. Criteria: ACMG Guidelines, 2015. Collection method: clinical testing. Allele origin: germline.

Blueprint Genetics
Classification: Benign. Last evaluated: 2024-11-27. Review status: criteria provided, single submitter. Criteria: ACMG Guidelines, 2015. Collection method: clinical testing. Allele origin: germline.

KCCC/NGS Laboratory, Kuwait Cancer Control Center
Classification: Benign for Fanconi anemia complementation group A. Last evaluated: 2023-07-07. Review status: criteria provided, single submitter. Criteria: ACMG Guidelines, 2015. Collection method: clinical testing. Allele origin: germline. Affected: yes.

Genome-Nilou Lab
Classification: Benign for Fanconi anemia complementation group A. Last evaluated: 2021-07-08. Review status: criteria provided, single submitter. Criteria: ACMG Guidelines, 2015. Collection method: clinical testing. Allele origin: germline. Affected: no.

GeneDx
Classification: Benign. Last evaluated: 2019-01-10. Review status: criteria provided, single submitter. Criteria: GeneDx Variant Classification Process June 2021. Collection method: clinical testing. Allele origin: germline. Affected: yes.

Illumina Laboratory Services, Illumina
Classification: Benign for Fanconi anemia complementation group A. Last evaluated: 2018-01-13. Review status: criteria provided, single submitter. Criteria: ICSL Variant Classification Criteria 13 December 2019. Collection method: clinical testing. Allele origin: germline.
Comment: This variant was observed in the ICSL laboratory as part of a predisposition screen in an ostensibly healthy population. It had not been previously curated by ICSL or reported in the Human Gene Mutation Database (HGMD: prior to June 1st, 2018), and was therefore a candidate for classification through an automated scoring system. Utilizing variant allele frequency, disease prevalence and penetrance estimates, and inheritance mode, an automated score was calculated to assess if this variant is too frequent to cause the disease. Based on the score and internal cut-off values, a variant classified as benign is not then subjected to further curation. The score for this variant resulted in a classification of benign for this disease.

Breakthrough Genomics
Classification: Benign. Review status: criteria provided, single submitter. Criteria: ACMG Guidelines, 2015. Collection method: not provided. Allele origin: germline. Inheritance: Autosomal recessive inheritance. Affected: yes.

PreventionGenetics, part of Exact Sciences
Classification: Benign. Review status: criteria provided, single submitter. Criteria: ACMG Guidelines, 2015. Collection method: clinical testing. Allele origin: germline.